The following is an entry in ClinVar:

ClinVar aggregate classification (germline): Likely pathogenic. Review status: criteria provided, multiple submitters, no conflicts (2 of 4 stars). 2 submissions from 2 submitters: Likely pathogenic (2). Last evaluated 2020-03-11.

Conditions:
Autosomal recessive limb-girdle muscular dystrophy type 2J (LGMDR10). Also called: Limb-girdle muscular dystrophy, type 2J; MUSCULAR DYSTROPHY, LIMB-GIRDLE, AUTOSOMAL RECESSIVE 10. Identifiers: Orphanet 140922, MedGen C1837342, MONDO:0012127, OMIM 608807.
Dilated cardiomyopathy 1G (CMD1G). Identifiers: Orphanet 154, MedGen C1858763, MONDO:0011400, OMIM 604145.
Cardiomyopathy (CMYO). Also called: Cardiomyopathies. Identifiers: Orphanet 167848, MedGen C0878544, MONDO:0004994, HP:0001638. Inheritance: Various modes of inheritance.

Submissions (2):

CHEO Genetics Diagnostic Laboratory, Children's Hospital of Eastern Ontario
Classification: Likely pathogenic for Cardiomyopathy. Last evaluated: 2020-03-11. Review status: criteria provided, single submitter. Criteria: ACMG Guidelines, 2015. Collection method: clinical testing. Allele origin: germline. Study: Canadian Open Genetics Repository.

Labcorp Genetics (formerly Invitae), Labcorp
Classification: Likely pathogenic for Dilated cardiomyopathy 1G; Limb-girdle muscular dystrophy, type 2J. Last evaluated: 2019-07-02. Review status: criteria provided, single submitter. Criteria: Invitae Variant Classification Sherloc (09022015). Collection method: clinical testing. Allele origin: germline.
Comment: This sequence change results in a premature translational stop signal in the TTN gene (p.Thr23583Hisfs*15). While this is not anticipated to result in nonsense mediated decay, it is expected to create a truncated TTN protein. This variant is not present in population databases (ExAC no frequency). This variant has not been reported in the literature in individuals with TTN-related conditions. ClinVar contains an entry for this variant (Variation ID: 626418). This variant is located in the A band of TTN (PMID: 25589632). Truncating variants in this region are significantly overrepresented in patients affected with dilated cardiomyopathy (PMID: 25589632). Truncating variants in this region have also been reported in individuals affected with autosomal recessive centronuclear myopathy (PMID: 23975875). In summary, the currently available evidence indicates that the variant is pathogenic, but additional data are needed to prove that conclusively. Therefore, this variant has been classified as Likely Pathogenic.

Literature cited by the submitters: PubMed 23975875 (cited by Labcorp Genetics (formerly Invitae), Labcorp); PubMed 25589632 (cited by Labcorp Genetics (formerly Invitae), Labcorp).

NM_001267550.2(TTN):c.70745dup (p.Thr23583fs)

Genes: TTN-AS1 (TTN antisense RNA 1; plus strand), TTN (titin; minus strand). Cytogenetic location: 2q31.2.
Variant type: Duplication.
Coding change: c.70745dup on transcript NM_001267550.2 (MANE Select); coding-DNA position 70745, one base duplicated (T; older notation c.70745dupT).
Protein change: p.Thr23583fs; shifts the reading frame from threonine 23583.
Molecular consequence: frameshift variant.
Genome position (GRCh38, 1-based): chr2:178,575,387, A duplicated on the plus strand (T on the coding strand, the reverse complement: TTN is on the minus strand). VCF-style (leftmost placement, unchanged base first): chr2-178575386-G-GA. GRCh37 (hg19) VCF-style: chr2-179440113-G-GA.
Other names: c.65822dup, p.Thr21942fs (NM_001256850.1); c.43550dup, p.Thr14518fs (NM_003319.4); c.63041dup, p.Thr21015fs (NM_133378.4); c.43925dup, p.Thr14643fs (NM_133432.3); c.44126dup, p.Thr14710fs (NM_133437.4); short protein forms T14518fs, T21015fs, T14643fs, T14710fs, T23583fs, T21942fs.
Identifiers: ClinVar variation 626418 (VCV000626418.4), dbSNP rs1559448864, ClinGen allele CA913189528.